The following is an entry in ClinVar:

NM_024753.5(TTC21B):c.2869-2A>G

Gene: TTC21B (tetratricopeptide repeat domain 21B; minus strand). Cytogenetic location: 2q24.3.
Variant type: single nucleotide variant.
Coding change: c.2869-2A>G on transcript NM_024753.5 (MANE Select); the canonical splice acceptor site of the intron before coding-DNA position 2869, A replaced by G.
Molecular consequence: splice acceptor variant.
Genome position (GRCh38, 1-based): chr2:165,898,769, T>C on the plus strand (A>G on the coding strand, the complement: TTC21B is on the minus strand). VCF-style: chr2-165898769-T-C. GRCh37 (hg19) VCF-style: chr2-166755279-T-C.
Identifiers: ClinVar variation 528907 (VCV000528907.4), dbSNP rs1553508246, ClinGen allele CA349049856.

ClinVar aggregate classification (germline): Likely pathogenic (1 of 4 stars; one submission).

Conditions:
Nephronophthisis. Also called: Juvenile Nephronophthisis. Identifiers: Orphanet 655, MedGen C0687120, MONDO:0019005, HP:0000090.
Jeune thoracic dystrophy. Also called: Jeune syndrome; Infantile thoracic dystrophy; Thoracic pelvic phalangeal dystrophy; Jeune's syndrome; Chondroectodermal dysplasia-like syndrome; Short-rib thoracic dysplasia. Identifiers: Orphanet 474, MedGen C0265275, MONDO:0018770.

Allele frequency attached by ClinVar (database versions not stated): gnomAD exomes below 0.00001; TOPMed below 0.00001.
gnomAD v4.1: 1 of 1,605,396 alleles (0.000062%); highest among the groups gnomAD compares: South Asian, 0.0011%; no homozygotes.

Submission:

Labcorp Genetics (formerly Invitae), Labcorp
Classification: Likely pathogenic for Jeune thoracic dystrophy; Nephronophthisis. Last evaluated: 2023-07-14. Review status: criteria provided, single submitter. Criteria: Invitae Variant Classification Sherloc (09022015). Collection method: clinical testing. Allele origin: germline.
Comment: In summary, the currently available evidence indicates that the variant is pathogenic, but additional data are needed to prove that conclusively. Therefore, this variant has been classified as Likely Pathogenic. Algorithms developed to predict the effect of sequence changes on RNA splicing suggest that this variant may disrupt the consensus splice site. ClinVar contains an entry for this variant (Variation ID: 528907). This variant has not been reported in the literature in individuals affected with TTC21B-related conditions. This variant is not present in population databases (gnomAD no frequency). This sequence change affects an acceptor splice site in intron 21 of the TTC21B gene. It is expected to disrupt RNA splicing. Variants that disrupt the donor or acceptor splice site typically lead to a loss of protein function (PMID: 16199547), and loss-of-function variants in TTC21B are known to be pathogenic (PMID: 18327258, 21068128, 21258341, 23559409, 24876116, 25492405, 27491411, 29068549).

Literature cited by the submitters: PubMed 16199547; PubMed 18327258; PubMed 21068128; PubMed 21258341; PubMed 23559409; PubMed 24876116; PubMed 25492405; PubMed 27491411; PubMed 29068549.